The following is an entry in ClinVar:

NM_015512.5(DNAH1):c.6013A>G (p.Met2005Val)

Gene: DNAH1 (dynein axonemal heavy chain 1; plus strand). Cytogenetic location: 3p21.1.
Variant type: single nucleotide variant.
Coding change: c.6013A>G on transcript NM_015512.5 (MANE Select); coding-DNA position 6013, A replaced by G.
Protein change: p.Met2005Val; replaces methionine 2005 with valine.
Molecular consequence: missense variant.
Genome position (GRCh38, 1-based): chr3:52,369,894, A>G. VCF-style: chr3-52369894-A-G. GRCh37 (hg19) VCF-style: chr3-52403910-A-G.
Other names: short protein forms M2005V.
Identifiers: ClinVar variation 1497808 (VCV001497808.8), dbSNP rs1673807203, ClinGen allele CA353155198.

ClinVar aggregate classification (germline): Uncertain significance (1 of 4 stars; one submission).

Conditions:
Spermatogenic failure 18. Identifiers: MedGen C4539783, MONDO:0054615, OMIM 617576.
Ciliary dyskinesia, primary, 37 (CILD37). Also called: CILIARY DYSKINESIA, PRIMARY, 37, WITH OR WITHOUT SITUS INVERSUS. Identifiers: MedGen C4539798, MONDO:0033204, OMIM 617577.

Allele frequency attached by ClinVar (database versions not stated): TOPMed below 0.00001.

Submission:

Labcorp Genetics (formerly Invitae), Labcorp
Classification: Uncertain significance for Ciliary dyskinesia, primary, 37; Spermatogenic failure 18. Last evaluated: 2022-07-12. Review status: criteria provided, single submitter. Criteria: Invitae Variant Classification Sherloc (09022015). Collection method: clinical testing. Allele origin: germline.
Comment: This variant has not been reported in the literature in individuals affected with DNAH1-related conditions. In summary, the available evidence is currently insufficient to determine the role of this variant in disease. Therefore, it has been classified as a Variant of Uncertain Significance. Algorithms developed to predict the effect of missense changes on protein structure and function are either unavailable or do not agree on the potential impact of this missense change (SIFT: "Deleterious"; PolyPhen-2: "Probably Damaging"; Align-GVGD: "Class C15"). ClinVar contains an entry for this variant (Variation ID: 1497808). This variant is not present in population databases (gnomAD no frequency). This sequence change replaces methionine, which is neutral and non-polar, with valine, which is neutral and non-polar, at codon 2005 of the DNAH1 protein (p.Met2005Val).